The following is an entry in ClinVar:

ClinVar aggregate classification (germline): Pathogenic. Review status: reviewed by expert panel (3 of 4 stars). 2 submissions from 2 submitters: Pathogenic (1). 1 of the submissions does not count toward it. Last evaluated 2016-10-18.

Conditions:
Breast-ovarian cancer, familial, susceptibility to, 1 (BROVCA1). Also called: BRCA1 Hereditary Breast and Ovarian Cancer; OVARIAN CANCER, SUSCEPTIBILITY TO. Identifiers: Orphanet 145, MedGen C2676676, MONDO:0011450, OMIM 604370. Disease mechanism: loss of function.

Submissions (2):

Evidence-based Network for the Interpretation of Germline Mutant Alleles (ENIGMA)
Classification: Pathogenic for Breast-ovarian cancer, familial, susceptibility to, 1. Last evaluated: 2016-10-18. Review status: reviewed by expert panel. Criteria: ENIGMA BRCA1/2 Classification Criteria (2015). Collection method: curation. Allele origin: germline.
Comment: Variant allele predicted to encode a truncated non-functional protein.

Consortium of Investigators of Modifiers of BRCA1/2 (CIMBA), c/o University of Cambridge
Classification: Pathogenic for Breast-ovarian cancer, familial, susceptibility to, 1. Last evaluated: 2015-10-02. Review status: criteria provided, single submitter. Criteria: CIMBA Mutation Classification guidelines May 2016. Collection method: clinical testing. Allele origin: germline. Not counted in ClinVar's aggregate classification.

NM_007294.4(BRCA1):c.3395del (p.Asn1132fs)

Genes: BRCA1 (BRCA1 DNA repair associated; minus strand), LOC126862571 (BRD4-independent group 4 enhancer GRCh37_chr17:41243136-41244335; plus strand). Cytogenetic location: 17q21.31.
Variant type: Deletion.
Coding change: c.3395del on transcript NM_007294.4 (MANE Select); coding-DNA position 3395, one base deleted (A; older notation c.3395delA).
Protein change: p.Asn1132fs; shifts the reading frame from asparagine 1132.
Molecular consequence: frameshift variant. On other transcripts: intron variant (135).
Genome position (GRCh38, 1-based): chr17:43,092,136, T deleted on the plus strand (A on the coding strand, the reverse complement: BRCA1 is on the minus strand); the first of 2 consecutive T bases (chr17:43,092,136-43,092,137); deleting either gives the same sequence. VCF-style (leftmost placement, unchanged base first): chr17-43092135-GT-G. GRCh37 (hg19) VCF-style: chr17-41244152-GT-G.
Other names: 3514delA; c.3182del, p.Asn1061fs (NM_001407571.1, NM_001407853.1, NM_001407894.1 and 9 more transcripts); c.3395del, p.Asn1132fs (NM_001407581.1, NM_001407582.1, NM_001407583.1 and 30 more transcripts); c.3392del, p.Asn1131fs (NM_001407587.1, NM_001407590.1, NM_001407591.1 and 22 more transcripts); c.3386del, p.Asn1129fs (NM_001407646.1, NM_001407647.1); c.3272del, p.Asn1091fs (NM_001407648.1, NM_001407664.1, NM_001407665.1 and 19 more transcripts); c.3269del, p.Asn1090fs (NM_001407649.1, NM_001407670.1, NM_001407671.1 and 11 more transcripts); c.3317del, p.Asn1106fs (NM_001407653.1, NM_001407654.1, NM_001407655.1 and 4 more transcripts); and 43 more; short protein forms N1085fs, N1132fs, N1020fs, N1044fs, N1064fs, N1105fs, N1131fs, N1062fs.
Identifiers: ClinVar variation 266365 (VCV000266365.6), dbSNP rs886040124, ClinGen allele CA10589757.